The following is an entry in ClinVar:

NM_000038.6(APC):c.423-2461T>C

Gene: APC (APC regulator of WNT signaling pathway; plus strand). Cytogenetic location: 5q22.2.
Variant type: single nucleotide variant.
Coding change: c.423-2461T>C on transcript NM_000038.6 (MANE Select); 2461 bases into the intron before coding-DNA position 423, T replaced by C.
Molecular consequence: intron variant.
Genome position (GRCh38, 1-based): chr5:112,773,168, T>C. VCF-style: chr5-112773168-T-C. GRCh37 (hg19) VCF-style: chr5-112108865-T-C.
Other names: c.423-2461T>C (NM_001354895.2, NM_001127510.3, NM_001354896.2 and 2 more transcripts); c.453-2461T>C (NM_001354897.2, NM_001354902.2, NM_001127511.3); c.348-2461T>C (NM_001354898.2, NM_001354904.2); c.-613-2461T>C (NM_001354906.2); c.246-2461T>C (NM_001354900.2, NM_001354901.2, NM_001354905.2).
Identifiers: ClinVar variation 82896 (VCV000082896.2), dbSNP rs2707763, ClinGen allele CA009224.
Genomic context (GRCh38, chr5:112,773,168, plus strand): 5'-GGCTTCCTTTCTTCCCAATCAGTCCATCACTATTAAGGTTGCCACATAAGAACAAAAGCT[T>C]ATTTCTTATTTTTTAAGTTGCTTCTCAGTAAAGGAAAATACATTTTAGCAAGAACAGAAC-3'

ClinVar aggregate classification (germline): other (0 of 4 stars; one submission).

Conditions:
Familial colorectal cancer. Identifiers: MedGen CN280943, MONDO:0023113. Disease mechanism: loss of function.

Allele frequency attached by ClinVar (database versions not stated): gnomAD 0.41107 and 0.42324; TOPMed 0.42509; 1000 Genomes Project 30x 0.45128; 1000 Genomes Project 0.45587.
gnomAD v4.1: 64,501 of 152,040 alleles (42%); highest among the groups gnomAD compares: East Asian, 67%; 15,966 homozygotes.

Submission:

Systems Biology Platform Zhejiang California International NanoSystems Institute
Classification: other for Familial colorectal cancer. Review status: no assertion criteria provided. Collection method: not provided. Allele origin: unknown.
ClinVar note: Converted during submission from cancer to other.